The following is an entry in ClinVar:

NM_032119.4(ADGRV1):c.3599A>G (p.Asn1200Ser)

Gene: ADGRV1 (adhesion G protein-coupled receptor V1; plus strand). Cytogenetic location: 5q14.3.
Variant type: single nucleotide variant.
Coding change: c.3599A>G on transcript NM_032119.4 (MANE Select); coding-DNA position 3599, A replaced by G.
Protein change: p.Asn1200Ser; replaces asparagine 1200 with serine.
Molecular consequence: missense variant. On other transcripts: non-coding transcript variant (1).
Genome position (GRCh38, 1-based): chr5:90,652,528, A>G. VCF-style: chr5-90652528-A-G. GRCh37 (hg19) VCF-style: chr5-89948345-A-G.
Other names: short protein forms N1200S.
Identifiers: ClinVar variation 4989418 (VCV004989418.1).
Genomic context (GRCh38, chr5:90,652,528, plus strand): 5'-ATGGAGAAGAAGCAAAACCAATCATTCTCCATGCTTTTCCAGATAAAATTCCTGAATTCA[A>G]TGAATTTTATTTCCTAAAACTTGTAAACATTTCAGGTACTGTGTTTTTCCATGTCTTATT-3'
Protein context (NP_115495.3, residues 1190-1210): HAFPDKIPEF[Asn1200Ser]EFYFLKLVNI

ClinVar aggregate classification (germline): Uncertain significance (1 of 4 stars; one submission).

Conditions:
ADGRV1-related disorder. Also called: ADGRV1-related disorders; ADGRV1-related condition.

gnomAD v4.1: 1 of 1,612,052 alleles (0.000062%); highest among the groups gnomAD compares: Non-Finnish European, 0.000085%; no homozygotes.

Submission:

PreventionGenetics, part of Exact Sciences
Classification: Uncertain significance for ADGRV1-related condition. Last evaluated: 2025-03-24. Review status: criteria provided, single submitter. Criteria: ACMG Guidelines, 2015. Collection method: clinical testing. Allele origin: germline.
Comment: The ADGRV1 c.3599A>G variant is predicted to result in the amino acid substitution p.Asn1200Ser. To our knowledge, this variant has not been reported in the literature or in a large population database (gnomAD), indicating this variant is rare. At this time, the clinical significance of this variant is uncertain due to the absence of conclusive functional and genetic evidence.